The following is an entry in ClinVar:

ClinVar aggregate classification (germline): Uncertain significance (1 of 4 stars; one submission).

Conditions:
Sulfite oxidase deficiency due to molybdenum cofactor deficiency type C. Also called: Molybdenum cofactor deficiency, complementation group C; Molybdenum cofactor deficiency C. Identifiers: Orphanet 308400, Orphanet 833, MedGen C1854990, MONDO:0014212, OMIM 615501.

Submission:

Labcorp Genetics (formerly Invitae), Labcorp
Classification: Uncertain significance for Molybdenum cofactor deficiency, complementation group C. Last evaluated: 2019-12-30. Review status: criteria provided, single submitter. Criteria: Invitae Variant Classification Sherloc (09022015). Collection method: clinical testing. Allele origin: germline.
Comment: This variant results in a copy number gain of the genomic region encompassing exon 1 of the GPHN gene, which includes the initiator codon. The 5' end of this event is unknown as it extends beyond the assayed region for this gene and therefore may encompass additional genes. The 3' boundary is likely confined to intron 1 of the GPHN gene. As the precise location of this event is unknown, it may be in tandem or it may be located elsewhere in the genome. This variant has not been reported in the literature in individuals with GPHN-related conditions. In summary, the available evidence is currently insufficient to determine the role of this variant in disease. Therefore, it has been classified as a Variant of Uncertain Significance.

NC_000014.9:g.(?_65957717)_(66508591_?)dup

Gene: GPHN (gephyrin; plus strand). Cytogenetic location: 14q23.3.
Variant type: Duplication.
Identifiers: ClinVar variation 833027 (VCV000833027.1).